The following is an entry in ClinVar:

ClinVar aggregate classification (germline): Uncertain significance. Review status: criteria provided, multiple submitters, no conflicts (2 of 4 stars). 3 submissions from 3 submitters: Uncertain significance (3). Last evaluated 2024-04-15.

Conditions:
Congenital stationary night blindness 1E. Also called: Night blindness, congenital stationary (complete), 1E, autosomal recessive. Identifiers: Orphanet 215, MedGen C3281215, MONDO:0013807, OMIM 614565.

Allele frequency attached by ClinVar (database versions not stated): gnomAD 0.00006; TOPMed 0.00007; ExAC 0.00014.
gnomAD v4.1: 63 of 1,596,494 alleles (0.0039%); highest among the groups gnomAD compares: African/African-American, 0.0067%; no homozygotes.

Submissions (3):

Blueprint Genetics
Classification: Uncertain significance. Last evaluated: 2024-04-15. Review status: criteria provided, single submitter. Criteria: ACMG Guidelines, 2015. Collection method: clinical testing. Allele origin: germline.

Labcorp Genetics (formerly Invitae), Labcorp
Classification: Uncertain significance. Last evaluated: 2022-06-24. Review status: criteria provided, single submitter. Criteria: Invitae Variant Classification Sherloc (09022015). Collection method: clinical testing. Allele origin: germline.
Comment: This sequence change replaces arginine, which is basic and polar, with histidine, which is basic and polar, at codon 406 of the GPR179 protein (p.Arg406His). This variant is present in population databases (rs770208418, gnomAD 0.02%). This variant has not been reported in the literature in individuals affected with GPR179-related conditions. ClinVar contains an entry for this variant (Variation ID: 323023). Algorithms developed to predict the effect of missense changes on protein structure and function are either unavailable or do not agree on the potential impact of this missense change (SIFT: "Deleterious"; PolyPhen-2: "Benign"; Align-GVGD: "Class C0"). In summary, the available evidence is currently insufficient to determine the role of this variant in disease. Therefore, it has been classified as a Variant of Uncertain Significance.

Illumina Laboratory Services, Illumina
Classification: Uncertain significance for Congenital stationary night blindness 1E. Last evaluated: 2018-01-13. Review status: criteria provided, single submitter. Criteria: ICSL Variant Classification Criteria 13 December 2019. Collection method: clinical testing. Allele origin: germline.

NM_001004334.4(GPR179):c.1217G>A (p.Arg406His)

Gene: GPR179 (G protein-coupled receptor 179; minus strand). Cytogenetic location: 17q12.
Variant type: single nucleotide variant.
Coding change: c.1217G>A on transcript NM_001004334.4 (MANE Select); coding-DNA position 1217, G replaced by A.
Protein change: p.Arg406His; replaces arginine 406 with histidine.
Molecular consequence: missense variant.
Genome position (GRCh38, 1-based): chr17:38,336,988, C>T on the plus strand (G>A on the coding strand, the complement: GPR179 is on the minus strand). VCF-style: chr17-38336988-C-T. GRCh37 (hg19) VCF-style: chr17-36492871-C-T.
Other names: short protein forms R406H.
Identifiers: ClinVar variation 323023 (VCV000323023.11), dbSNP rs770208418, ClinGen allele CA10645585.